The following is an entry in ClinVar:

NM_001384474.1(LOXHD1):c.6427_6428del (p.Ser2143fs)

Gene: LOXHD1 (lipoxygenase homology PLAT domains 1; minus strand). Cytogenetic location: 18q21.1.
Variant type: Microsatellite.
Coding change: c.6427_6428del on transcript NM_001384474.1 (MANE Select); coding-DNA positions 6427 to 6428, 2 bases deleted (AG; older notation c.6427_6428delAG).
Protein change: p.Ser2143fs; shifts the reading frame from serine 2143.
Molecular consequence: frameshift variant.
Genome position (GRCh38, 1-based): chr18:46,477,866-46,477,867, CT deleted on the plus strand (AG on the coding strand, the reverse complement: LOXHD1 is on the minus strand); deleting any 2 consecutive bases within chr18:46,477,866-46,477,871 gives the same sequence; the c. name uses the placement nearest the transcript's 3' end. VCF-style (leftmost placement, unchanged base first): chr18-46477865-GCT-G. GRCh37 (hg19) VCF-style: chr18-44057828-GCT-G.
Other names: c.3094_3095del, p.Ser1032fs (NM_001145472.3); c.1144_1145del, p.Ser382fs (NM_001145473.3, NM_001173129.2); c.2806_2807del, p.Ser936fs (NM_001308013.2); c.6241_6242del, p.Ser2081fs (NM_144612.7); short protein forms S1032fs, S2081fs, S2143fs, S382fs, S936fs.
Identifiers: ClinVar variation 1070000 (VCV001070000.9), dbSNP rs1478469981, ClinGen allele CA2580612990.

ClinVar aggregate classification (germline): Pathogenic (1 of 4 stars; one submission).

Submission:

Labcorp Genetics (formerly Invitae), Labcorp
Classification: Pathogenic. Last evaluated: 2022-02-08. Review status: criteria provided, single submitter. Criteria: Invitae Variant Classification Sherloc (09022015). Collection method: clinical testing. Allele origin: germline.
Comment: This sequence change creates a premature translational stop signal (p.Ser2081Leufs*22) in the LOXHD1 gene. While this is not anticipated to result in nonsense mediated decay, it is expected to disrupt the last 131 amino acid(s) of the LOXHD1 protein. This variant is not present in population databases (gnomAD no frequency). This variant has not been reported in the literature in individuals affected with LOXHD1-related conditions. This variant disrupts a region of the LOXHD1 protein in which other variant(s) (p.Ala2106Glnfs*9) have been determined to be pathogenic (Invitae). This suggests that this is a clinically significant region of the protein, and that variants that disrupt it are likely to be disease-causing. For these reasons, this variant has been classified as Pathogenic.